The following is an entry in ClinVar:

NM_024580.6(EFL1):c.732-14T>A

Gene: EFL1 (elongation factor like GTPase 1; minus strand). Cytogenetic location: 15q25.2.
Variant type: single nucleotide variant.
Coding change: c.732-14T>A on transcript NM_024580.6 (MANE Select); 14 bases into the intron before coding-DNA position 732, T replaced by A.
Molecular consequence: intron variant.
Genome position (GRCh38, 1-based): chr15:82,230,985, A>T on the plus strand (T>A on the coding strand, the complement: EFL1 is on the minus strand). VCF-style: chr15-82230985-A-T. GRCh37 (hg19) VCF-style: chr15-82523326-A-T.
Other names: c.579-14T>A (NM_001040610.3); c.-58-14T>A (NM_001322844.2); c.732-14T>A (NM_001322845.2).
Identifiers: ClinVar variation 4722438 (VCV004722438.1).

ClinVar aggregate classification (germline): Uncertain significance (1 of 4 stars; one submission).

Submission:

Labcorp Genetics (formerly Invitae), Labcorp
Classification: Uncertain significance. Last evaluated: 2025-07-01. Review status: criteria provided, single submitter. Criteria: Invitae Variant Classification Sherloc (09022015). Collection method: clinical testing. Allele origin: germline.
Comment: This sequence change falls in intron 7 of the EFL1 gene. It does not directly change the encoded amino acid sequence of the EFL1 protein. This variant is not present in population databases (gnomAD no frequency). This variant has not been reported in the literature in individuals affected with EFL1-related conditions. Algorithms developed to predict the effect of sequence changes on RNA splicing suggest that this variant may disrupt the consensus splice site. In summary, the available evidence is currently insufficient to determine the role of this variant in disease. Therefore, it has been classified as a Variant of Uncertain Significance.